The following is an entry in ClinVar:

ClinVar aggregate classification (germline): Uncertain significance (1 of 4 stars; one submission).

Conditions:
Werner syndrome (WRN). Identifiers: Orphanet 902, MedGen C0043119, MONDO:0010196, OMIM 277700.

Submission:

Labcorp Genetics (formerly Invitae), Labcorp
Classification: Uncertain significance for Werner syndrome. Last evaluated: 2020-08-27. Review status: criteria provided, single submitter. Criteria: Invitae Variant Classification Sherloc (09022015). Collection method: clinical testing. Allele origin: germline.
Comment: This sequence change replaces glutamine with proline at codon 1239 of the WRN protein (p.Gln1239Pro). The glutamine residue is weakly conserved and there is a moderate physicochemical difference between glutamine and proline. This variant is not present in population databases (ExAC no frequency). This variant has not been reported in the literature in individuals with WRN-related conditions. Algorithms developed to predict the effect of missense changes on protein structure and function are either unavailable or do not agree on the potential impact of this missense change (SIFT: "Not Available"; PolyPhen-2: "Benign"; Align-GVGD: "Not Available"). In summary, the available evidence is currently insufficient to determine the role of this variant in disease. Therefore, it has been classified as a Variant of Uncertain Significance.

NM_000553.6(WRN):c.3716A>C (p.Gln1239Pro)

Gene: WRN (WRN RecQ like helicase; plus strand). Cytogenetic location: 8p12.
Variant type: single nucleotide variant.
Coding change: c.3716A>C on transcript NM_000553.6 (MANE Select); coding-DNA position 3716, A replaced by C.
Protein change: p.Gln1239Pro; replaces glutamine 1239 with proline.
Molecular consequence: missense variant.
Genome position (GRCh38, 1-based): chr8:31,154,652, A>C. VCF-style: chr8-31154652-A-C. GRCh37 (hg19) VCF-style: chr8-31012168-A-C.
Other names: short protein forms Q1239P.
Identifiers: ClinVar variation 1052323 (VCV001052323.3), dbSNP rs2130469868, ClinGen allele CA370928914.